The following is an entry in ClinVar:

NM_024818.6(UBA5):c.460G>A (p.Val154Met)

Genes: NPHP3-ACAD11 (NPHP3-ACAD11 readthrough (NMD candidate); minus strand), UBA5 (ubiquitin like modifier activating enzyme 5; plus strand). Cytogenetic location: 3q22.1.
Variant type: single nucleotide variant.
Coding change: c.460G>A on transcript NM_024818.6 (MANE Select); coding-DNA position 460, G replaced by A.
Protein change: p.Val154Met; replaces valine 154 with methionine.
Molecular consequence: missense variant.
Genome position (GRCh38, 1-based): chr3:132,670,250, G>A. VCF-style: chr3-132670250-G-A. GRCh37 (hg19) VCF-style: chr3-132389094-G-A.
Other names: c.292G>A, p.Val98Met (NM_001320210.2, NM_198329.4); c.190G>A, p.Val64Met (NM_001321238.2); c.124G>A, p.Val42Met (NM_001321239.1); short protein forms V154M, V42M, V64M, V98M.
Identifiers: ClinVar variation 982589 (VCV000982589.14), dbSNP rs761169562, ClinGen allele CA2621354.
Genomic context (GRCh38, chr3:132,670,250, plus strand): 5'-CTTCTTAGGAACATTAATCCTGATGTTCTTTTTGAAGTACACAACTATAATATAACCACA[G>A]TGGAAAACTTTCAACATTTCATGGATAGAATAAGGTAAAATTTTAATTTATGAATATTTT-3'
Protein context (NP_079094.1, residues 144-164): FEVHNYNITT[Val154Met]ENFQHFMDRI

ClinVar aggregate classification (germline): Uncertain significance. Review status: criteria provided, multiple submitters, no conflicts (2 of 4 stars). 2 submissions from 2 submitters: Uncertain significance (2). Last evaluated 2022-08-16.

Conditions:
Developmental and epileptic encephalopathy, 44 (DEE44). Also called: Epileptic encephalopathy, early infantile, 44. Identifiers: MedGen C4310700, MONDO:0014933, OMIM 617132.

Allele frequency attached by ClinVar (database versions not stated): ExAC 0.00001; gnomAD exomes below 0.00001 and 0.00001; TOPMed 0.00002; gnomAD 0.00002.
gnomAD v4.1: 19 of 1,501,148 alleles (0.0013%); highest among the groups gnomAD compares: Non-Finnish European, 0.0017%; no homozygotes.

Submissions (2):

Labcorp Genetics (formerly Invitae), Labcorp
Classification: Uncertain significance. Last evaluated: 2022-08-16. Review status: criteria provided, single submitter. Criteria: Invitae Variant Classification Sherloc (09022015). Collection method: clinical testing. Allele origin: germline.
Comment: The frequency data for this variant in the population databases is considered unreliable, as metrics indicate poor data quality at this position in the gnomAD database. This sequence change replaces valine, which is neutral and non-polar, with methionine, which is neutral and non-polar, at codon 154 of the UBA5 protein (p.Val154Met). This variant has not been reported in the literature in individuals affected with UBA5-related conditions. In summary, the available evidence is currently insufficient to determine the role of this variant in disease. Therefore, it has been classified as a Variant of Uncertain Significance. Algorithms developed to predict the effect of missense changes on protein structure and function output the following: SIFT: "Not Available"; PolyPhen-2: "Benign"; Align-GVGD: "Not Available". The methionine amino acid residue is found in multiple mammalian species, which suggests that this missense change does not adversely affect protein function. ClinVar contains an entry for this variant (Variation ID: 982589).

Institute of Human Genetics, University of Leipzig Medical Center
Classification: Uncertain significance for Developmental and epileptic encephalopathy, 44. Last evaluated: 2020-03-10. Review status: criteria provided, single submitter. Criteria: ACMG Guidelines, 2015. Collection method: clinical testing. Allele origin: unknown. Inheritance: Autosomal recessive inheritance. Affected: yes.
Comment: Criteria applied: PM2,PM3